The following is an entry in ClinVar:

NM_002907.4(RECQL):c.320A>G (p.Lys107Arg)

Gene: RECQL (RecQ like helicase; minus strand). Cytogenetic location: 12p12.1.
Variant type: single nucleotide variant.
Coding change: c.320A>G on transcript NM_002907.4 (MANE Select); coding-DNA position 320, A replaced by G.
Protein change: p.Lys107Arg; replaces lysine 107 with arginine.
Molecular consequence: missense variant.
Genome position (GRCh38, 1-based): chr12:21,490,273, T>C on the plus strand (A>G on the coding strand, the complement: RECQL is on the minus strand). VCF-style: chr12-21490273-T-C. GRCh37 (hg19) VCF-style: chr12-21643207-T-C.
Other names: c.320A>G, p.Lys107Arg (NM_032941.3); short protein forms K107R.
Identifiers: ClinVar variation 1021471 (VCV001021471.11), dbSNP rs1943384583, ClinGen allele CA384132729.

ClinVar aggregate classification (germline): Uncertain significance. Review status: criteria provided, multiple submitters, no conflicts (2 of 4 stars). 2 submissions from 2 submitters: Uncertain significance (2). Last evaluated 2023-03-08.

Allele frequency attached by ClinVar (database versions not stated): gnomAD exomes below 0.00001; TOPMed below 0.00001.
gnomAD v4.1: 3 of 1,613,056 alleles (0.00019%); highest among the groups gnomAD compares: Non-Finnish European, 0.00025%; no homozygotes.

Submissions (2):

Ambry Genetics
Classification: Uncertain significance. Last evaluated: 2023-03-08. Review status: criteria provided, single submitter. Criteria: Ambry Variant Classification Scheme 2023. Collection method: clinical testing. Allele origin: germline.
Comment: The p.K107R variant (also known as c.320A>G), located in coding exon 3 of the RECQL gene, results from an A to G substitution at nucleotide position 320. The lysine at codon 107 is replaced by arginine, an amino acid with highly similar properties. This amino acid position is not well conserved in available vertebrate species. In addition, this alteration is predicted to be tolerated by in silico analysis. Since supporting evidence is limited at this time, the clinical significance of this alteration remains unclear.

Labcorp Genetics (formerly Invitae), Labcorp
Classification: Uncertain significance. Last evaluated: 2020-08-27. Review status: criteria provided, single submitter. Criteria: Invitae Variant Classification Sherloc (09022015). Collection method: clinical testing. Allele origin: germline.
Comment: This sequence change replaces lysine with arginine at codon 107 of the RECQL protein (p.Lys107Arg). The lysine residue is moderately conserved and there is a small physicochemical difference between lysine and arginine. This variant is not present in population databases (ExAC no frequency). This variant has not been reported in the literature in individuals with RECQL-related conditions. Algorithms developed to predict the effect of missense changes on protein structure and function (SIFT, PolyPhen-2, Align-GVGD) all suggest that this variant is likely to be tolerated, but these predictions have not been confirmed by published functional studies and their clinical significance is uncertain. In summary, the available evidence is currently insufficient to determine the role of this variant in disease. Therefore, it has been classified as a Variant of Uncertain Significance.